The following is an entry in ClinVar:

NM_000142.5(FGFR3):c.615+8C>G

Gene: FGFR3 (fibroblast growth factor receptor 3; plus strand). Cytogenetic location: 4p16.3.
Variant type: single nucleotide variant.
Coding change: c.615+8C>G on transcript NM_000142.5 (MANE Select); 8 bases into the intron after coding-DNA position 615, C replaced by G.
Molecular consequence: intron variant.
Genome position (GRCh38, 1-based): chr4:1,801,544, C>G. VCF-style: chr4-1801544-C-G. GRCh37 (hg19) VCF-style: chr4-1803271-C-G.
Other names: c.615+8C>G (NM_001163213.2, NM_001354809.2, NM_001354810.2 and 1 more transcripts).
Identifiers: ClinVar variation 197629 (VCV000197629.33), dbSNP rs17878375, ClinGen allele CA202983.

ClinVar aggregate classification (germline): Benign. Review status: criteria provided, multiple submitters, no conflicts (2 of 4 stars). 11 submissions from 11 submitters: Benign (8). 3 of the submissions do not count toward it. Last evaluated 2026-07-01.

Allele frequency attached by ClinVar (database versions not stated): ESP Exome Variant Server 0.01960; gnomAD 0.02283; TOPMed 0.02521; 1000 Genomes Project 0.02915; 1000 Genomes Project 30x 0.02936.
gnomAD v4.1: 7,360 of 1,575,472 alleles (0.47%); highest among the groups gnomAD compares: African/African-American, 8.2%; 258 homozygotes.

Submissions (11):

CeGaT Center for Human Genetics Tuebingen
Classification: Benign. Last evaluated: 2026-07-01. Review status: criteria provided, single submitter. Criteria: CeGaT Center For Human Genetics Tuebingen Variant Classification Criteria Version 2. Collection method: clinical testing. Allele origin: germline. Affected: yes. Observed: 1 variant allele.
Comment: FGFR3: BP4, BS1, BS2

Women's Health and Genetics/Laboratory Corporation of America, LabCorp
Classification: Benign. Last evaluated: 2026-05-09. Review status: criteria provided, single submitter. Criteria: LabCorp Variant Classification Summary - May 2015. Collection method: clinical testing. Allele origin: germline.

Labcorp Genetics (formerly Invitae), Labcorp
Classification: Benign. Last evaluated: 2026-01-29. Review status: criteria provided, single submitter. Criteria: Invitae Variant Classification Sherloc (09022015). Collection method: clinical testing. Allele origin: germline.

ARUP Laboratories, Molecular Genetics and Genomics, ARUP Laboratories
Classification: Benign. Last evaluated: 2025-06-24. Review status: criteria provided, single submitter. Criteria: ARUP Molecular Germline Variant Investigation Process 2024. Collection method: clinical testing. Allele origin: germline.

GeneDx
Classification: Benign. Last evaluated: 2016-05-27. Review status: criteria provided, single submitter. Criteria: GeneDx Variant Classification (06012015). Collection method: clinical testing. Allele origin: germline. Affected: yes.
Comment: This variant is considered likely benign or benign based on one or more of the following criteria: it is a conservative change, it occurs at a poorly conserved position in the protein, it is predicted to be benign by multiple in silico algorithms, and/or has population frequency not consistent with disease.

Eurofins Ntd Llc (ga)
Classification: Benign. Last evaluated: 2015-01-20. Review status: criteria provided, single submitter. Criteria: EGL Classification Definitions 2015. Collection method: clinical testing. Allele origin: germline. Observed: 1 variant allele, 1 heterozygote.

Breakthrough Genomics
Classification: Benign. Review status: criteria provided, single submitter. Criteria: ACMG Guidelines, 2015. Collection method: not provided. Allele origin: germline. Inheritance: Autosomal dominant inheritance. Affected: yes.

PreventionGenetics, part of Exact Sciences
Classification: Benign. Review status: criteria provided, single submitter. Criteria: ACMG Guidelines, 2015. Collection method: clinical testing. Allele origin: germline.

Genome Diagnostics Laboratory, Amsterdam University Medical Center
Classification: Likely benign. Review status: no assertion criteria provided. Collection method: clinical testing. Allele origin: germline. Affected: yes. Study: VKGL Data-share Consensus. Not counted in ClinVar's aggregate classification.

Joint Genome Diagnostic Labs from Nijmegen and Maastricht, Radboudumc and MUMC+
Classification: Benign. Review status: no assertion criteria provided. Collection method: clinical testing. Allele origin: germline. Affected: yes. Study: VKGL Data-share Consensus. Not counted in ClinVar's aggregate classification.

Laboratory of Diagnostic Genome Analysis, Leiden University Medical Center (LUMC)
Classification: Likely benign. Review status: no assertion criteria provided. Collection method: clinical testing. Allele origin: germline. Affected: yes. Study: VKGL Data-share Consensus. Not counted in ClinVar's aggregate classification.